The following is an entry in ClinVar:

ClinVar aggregate classification (germline): Uncertain significance (1 of 4 stars; one submission).

Allele frequency attached by ClinVar (database versions not stated): gnomAD exomes below 0.00001.

Submission:

Labcorp Genetics (formerly Invitae), Labcorp
Classification: Uncertain significance. Last evaluated: 2021-05-04. Review status: criteria provided, single submitter. Criteria: Invitae Variant Classification Sherloc (09022015). Collection method: clinical testing. Allele origin: germline.
Comment: This sequence change replaces serine with phenylalanine at codon 353 of the TULP1 protein (p.Ser353Phe). The serine residue is highly conserved and there is a large physicochemical difference between serine and phenylalanine. This variant is not present in population databases (ExAC no frequency). This variant has not been reported in the literature in individuals with TULP1-related conditions. Algorithms developed to predict the effect of missense changes on protein structure and function are either unavailable or do not agree on the potential impact of this missense change (SIFT: "Not Available"; PolyPhen-2: "Probably Damaging"; Align-GVGD: "Not Available"). In summary, the available evidence is currently insufficient to determine the role of this variant in disease. Therefore, it has been classified as a Variant of Uncertain Significance.

NM_003322.6(TULP1):c.1058C>T (p.Ser353Phe)

Gene: TULP1 (TUB like protein 1; minus strand). Cytogenetic location: 6p21.31.
Variant type: single nucleotide variant.
Coding change: c.1058C>T on transcript NM_003322.6 (MANE Select); coding-DNA position 1058, C replaced by T.
Protein change: p.Ser353Phe; replaces serine 353 with phenylalanine.
Molecular consequence: missense variant.
Genome position (GRCh38, 1-based): chr6:35,505,795, G>A on the plus strand (C>T on the coding strand, the complement: TULP1 is on the minus strand). VCF-style: chr6-35505795-G-A. GRCh37 (hg19) VCF-style: chr6-35473572-G-A.
Other names: c.899C>T, p.Ser300Phe (NM_001289395.2); short protein forms S353F, S300F.
Identifiers: ClinVar variation 1466076 (VCV001466076.6), dbSNP rs1194349379, ClinGen allele CA363779734.